The following is an entry in ClinVar:

NM_000444.6(PHEX):c.1873_1876dup (p.Tyr626fs)

Genes: PHEX (phosphate regulating endopeptidase X-linked; plus strand), PTCHD1-AS (PTCHD1 and PHEX antisense RNA; minus strand). Cytogenetic location: Xp22.11.
Variant type: Duplication.
Coding change: c.1873_1876dup on transcript NM_000444.6 (MANE Select); coding-DNA positions 1873 to 1876, 4 bases duplicated (TATT; older notation c.1873_1876dupTATT).
Protein change: p.Tyr626fs; shifts the reading frame from tyrosine 626.
Molecular consequence: frameshift variant.
Genome position (GRCh38, 1-based): chrX:22,221,717-22,221,720, TATT duplicated. VCF-style (leftmost placement, unchanged base first): chrX-22221716-C-CTATT. GRCh37 (hg19) VCF-style: chrX-22239833-C-CTATT.
Other names: c.1873_1876dup, p.Tyr626fs (NM_001282754.2); c.1873_1876dup (NM_000444.4); short protein forms Y626fs.
Identifiers: ClinVar variation 1436322 (VCV001436322.7), dbSNP rs2147174604, ClinGen allele CA2573158539.
Genomic context (GRCh38, chrX:22,221,716, plus strand): 5'-TACTGAATCAGAAGAAAAGTTTAAGGAAAAAACAAAATGCATGATTAACCAGTATAGCAA[C>CTATT]TATTATTGGAAGAAAGCTGGCTTAAATGTGAGTACAACTGTGGCTAAGGGGGGCACCTTG-3'

ClinVar aggregate classification (germline): Pathogenic. Review status: criteria provided, multiple submitters, no conflicts (2 of 4 stars). 2 submissions from 2 submitters: Pathogenic (2). Last evaluated 2025-02-13.

Submissions (2):

GeneDx
Classification: Pathogenic. Last evaluated: 2025-02-13. Review status: criteria provided, single submitter. Criteria: GeneDx Variant Classification Process June 2021. Collection method: clinical testing. Allele origin: germline. Affected: yes.
Comment: Frameshift variant predicted to result in protein truncation or nonsense mediated decay in a gene for which loss of function is a known mechanism of disease; Not observed at significant frequency in large population cohorts (gnomAD); This variant is associated with the following publications: (PMID: 34806794)

Labcorp Genetics (formerly Invitae), Labcorp
Classification: Pathogenic. Last evaluated: 2024-07-31. Review status: criteria provided, single submitter. Criteria: Invitae Variant Classification Sherloc (09022015). Collection method: clinical testing. Allele origin: germline.
Comment: This sequence change creates a premature translational stop signal (p.Tyr626Leufs*22) in the PHEX gene. It is expected to result in an absent or disrupted protein product. Loss-of-function variants in PHEX are known to be pathogenic (PMID: 9097956, 9106524, 19219621). This variant is not present in population databases (gnomAD no frequency). This variant has not been reported in the literature in individuals affected with PHEX-related conditions. ClinVar contains an entry for this variant (Variation ID: 1436322). For these reasons, this variant has been classified as Pathogenic.

Literature cited by the submitters: PubMed 9097956 (cited by Labcorp Genetics (formerly Invitae), Labcorp); PubMed 9106524 (cited by Labcorp Genetics (formerly Invitae), Labcorp); PubMed 19219621 (cited by Labcorp Genetics (formerly Invitae), Labcorp).